The following is an entry in ClinVar:

ClinVar aggregate classification (germline): Uncertain significance (1 of 4 stars; one submission).

Submission:

GeneDx
Classification: Uncertain significance. Last evaluated: 2025-03-11. Review status: criteria provided, single submitter. Criteria: GeneDx Variant Classification Process June 2021. Collection method: clinical testing. Allele origin: germline. Affected: yes.
Comment: Not observed at significant frequency in large population cohorts (gnomAD); In silico analysis supports that this missense variant has a deleterious effect on protein structure/function; Has not been previously published as pathogenic or benign to our knowledge; Reported using an alternate transcript (non-epithelial isoform) of the gene

NM_001374736.1(DST):c.2242T>C (p.Ser748Pro)

Gene: DST (dystonin; minus strand). Cytogenetic location: 6p12.1.
Variant type: single nucleotide variant.
Coding change: c.2242T>C on transcript NM_001374736.1 (MANE Select); coding-DNA position 2242, T replaced by C.
Protein change: p.Ser748Pro; replaces serine 748 with proline.
Molecular consequence: missense variant.
Genome position (GRCh38, 1-based): chr6:56,640,391, A>G on the plus strand (T>C on the coding strand, the complement: DST is on the minus strand). VCF-style: chr6-56640391-A-G. GRCh37 (hg19) VCF-style: chr6-56505189-A-G.
Other names: c.2143T>C, p.Ser715Pro (NM_001144769.5); c.1729T>C, p.Ser577Pro (NM_001144770.2); c.2242T>C, p.Ser748Pro (NM_001374722.1); c.1609T>C, p.Ser537Pro (NM_001374729.1, NM_001374730.1, NM_001386100.1 and 1 more transcripts); c.2269T>C, p.Ser757Pro (NM_001374734.1); c.631T>C, p.Ser211Pro (NM_001723.7, NM_015548.5); short protein forms S211P, S537P, S577P, S715P, S748P, S757P.
Identifiers: ClinVar variation 3373147 (VCV003373147.2).
Genomic context (GRCh38, chr6:56,640,391, plus strand): 5'-GTGTATAAGCTGGAGTGACAGATGGAGTCAGGCGGGAAGTCATCCCTGATGACAGGCCAG[A>G]AGTCATACTAGAAGAGGTTAGGGAAGGTGTTAAACTCTGGGTCAGCCCTGAGGTCAGACT-3'
Protein context (NP_001361665.1, residues 738-758): TPSLTSSSMT[Ser748Pro]GLSSGMTSRL